The following is an entry in ClinVar:

ClinVar aggregate classification (germline): Uncertain significance (1 of 4 stars; one submission).

Conditions:
Tumor predisposition syndrome 3 (TPDS3). Also called: Melanoma, cutaneous malignant, susceptibility to, 10; Glioma susceptibility 9; LONG TELOMERE SYNDROME, POT1-RELATED; POT1 Tumor Predisposition. Identifiers: Orphanet 618, MedGen C4014476, MONDO:0014368, OMIM 615848.

Submission:

Labcorp Genetics (formerly Invitae), Labcorp
Classification: Uncertain significance for Tumor predisposition syndrome 3. Last evaluated: 2023-03-08. Review status: criteria provided, single submitter. Criteria: Invitae Variant Classification Sherloc (09022015). Collection method: clinical testing. Allele origin: germline.
Comment: This variant has not been reported in the literature in individuals affected with POT1-related conditions. In summary, the available evidence is currently insufficient to determine the role of this variant in disease. Therefore, it has been classified as a Variant of Uncertain Significance. Variants that disrupt the consensus splice site are a relatively common cause of aberrant splicing (PMID: 17576681, 9536098). Algorithms developed to predict the effect of sequence changes on RNA splicing suggest that this variant is not likely to affect RNA splicing. ClinVar contains an entry for this variant (Variation ID: 2127139). This variant is not present in population databases (gnomAD no frequency). This sequence change falls in intron 7 of the POT1 gene. It does not directly change the encoded amino acid sequence of the POT1 protein. It affects a nucleotide within the consensus splice site.

Literature cited by the submitters: PubMed 17576681; PubMed 9536098.

NM_015450.3(POT1):c.255+6A>G

Gene: POT1 (protection of telomeres 1; minus strand). Cytogenetic location: 7q31.33.
Variant type: single nucleotide variant.
Coding change: c.255+6A>G on transcript NM_015450.3 (MANE Select); 6 bases into the intron after coding-DNA position 255, A replaced by G.
Molecular consequence: intron variant.
Genome position (GRCh38, 1-based): chr7:124,870,905, T>C on the plus strand (A>G on the coding strand, the complement: POT1 is on the minus strand). VCF-style: chr7-124870905-T-C. GRCh37 (hg19) VCF-style: chr7-124510959-T-C.
Other names: c.-138-7265A>G (NM_001042594.2).
Identifiers: ClinVar variation 2127139 (VCV002127139.4), dbSNP rs2485504528, ClinGen allele CA2580076449.